The following is an entry in ClinVar:

NM_000124.4(ERCC6):c.886A>G (p.Arg296Gly)

Gene: ERCC6 (ERCC excision repair 6, chromatin remodeling factor; minus strand). Cytogenetic location: 10q11.23.
Variant type: single nucleotide variant.
Coding change: c.886A>G on transcript NM_000124.4 (MANE Select); coding-DNA position 886, A replaced by G.
Protein change: p.Arg296Gly; replaces arginine 296 with glycine.
Molecular consequence: missense variant.
Genome position (GRCh38, 1-based): chr10:49,524,544, T>C on the plus strand (A>G on the coding strand, the complement: ERCC6 is on the minus strand). VCF-style: chr10-49524544-T-C. GRCh37 (hg19) VCF-style: chr10-50732590-T-C.
Other names: c.886A>G (NM_000124.2); c.886A>G, p.Arg296Gly (NM_001277058.2, NM_001277059.2, NM_001346440.2); short protein forms R296G.
Identifiers: ClinVar variation 1504994 (VCV001504994.9), dbSNP rs115643329, ClinGen allele CA5496419.

ClinVar aggregate classification (germline): Conflicting classifications of pathogenicity. Review status: criteria provided, conflicting classifications (1 of 4 stars). 4 submissions from 4 submitters: Uncertain significance (3); Likely benign (1). Last evaluated 2026-01-28.

Conditions:
Inborn genetic diseases. Identifiers: MedGen C0950123, MeSH D030342.

Allele frequency attached by ClinVar (database versions not stated): gnomAD exomes 0.00004 and 0.00010; ExAC 0.00011; 1000 Genomes Project 30x 0.00031; ESP Exome Variant Server 0.00038; 1000 Genomes Project 0.00040; gnomAD 0.00042 and 0.00046; TOPMed 0.00056.
gnomAD v4.1: 127 of 1,614,250 alleles (0.0079%); highest among the groups gnomAD compares: African/African-American, 0.14%; no homozygotes.

Submissions (4):

Labcorp Genetics (formerly Invitae), Labcorp
Classification: Likely benign. Last evaluated: 2026-01-28. Review status: criteria provided, single submitter. Criteria: Invitae Variant Classification Sherloc (09022015). Collection method: clinical testing. Allele origin: germline.

GeneDx
Classification: Uncertain significance. Last evaluated: 2025-04-03. Review status: criteria provided, single submitter. Criteria: GeneDx Variant Classification Process June 2021. Collection method: clinical testing. Allele origin: germline. Affected: yes.
Comment: In silico analysis indicates that this missense variant does not alter protein structure/function; Has not been previously published as pathogenic or benign to our knowledge

Blueprint Genetics
Classification: Uncertain significance. Last evaluated: 2024-09-04. Review status: criteria provided, single submitter. Criteria: ACMG Guidelines, 2015. Collection method: clinical testing. Allele origin: germline.

Ambry Genetics
Classification: Uncertain significance for Inborn genetic diseases. Last evaluated: 2022-12-28. Review status: criteria provided, single submitter. Criteria: Ambry Variant Classification Scheme 2023. Collection method: clinical testing. Allele origin: germline.